The following is an entry in ClinVar:

NM_003482.4(KMT2D):c.16345G>A (p.Gly5449Ser)

Gene: KMT2D (lysine methyltransferase 2D; minus strand). Cytogenetic location: 12q13.12.
Variant type: single nucleotide variant.
Coding change: c.16345G>A on transcript NM_003482.4 (MANE Select); coding-DNA position 16345, G replaced by A.
Protein change: p.Gly5449Ser; replaces glycine 5449 with serine.
Molecular consequence: missense variant.
Genome position (GRCh38, 1-based): chr12:49,022,347, C>T on the plus strand (G>A on the coding strand, the complement: KMT2D is on the minus strand). VCF-style: chr12-49022347-C-T. GRCh37 (hg19) VCF-style: chr12-49416130-C-T.
Other names: short protein forms G5449S.
Identifiers: ClinVar variation 4690202 (VCV004690202.1).

ClinVar aggregate classification (germline): Uncertain significance (1 of 4 stars; one submission).

Submission:

GeneDx
Classification: Uncertain significance. Last evaluated: 2025-08-01. Review status: criteria provided, single submitter. Criteria: GeneDx Variant Classification Process June 2021. Collection method: clinical testing. Allele origin: germline. Affected: yes.
Comment: Not observed at significant frequency in large population cohorts (gnomAD); In silico analysis supports that this missense variant has a deleterious effect on protein structure/function; Has not been previously published as pathogenic or benign to our knowledge